The following is an entry in ClinVar:

ClinVar aggregate classification (germline): Likely benign. Review status: criteria provided, multiple submitters, no conflicts (2 of 4 stars). 3 submissions from 3 submitters: Likely benign (3). Last evaluated 2025-10-13.

Conditions:
CHSY1-related disorder. Also called: CHSY1-related condition.
Temtamy preaxial brachydactyly syndrome (TPBS). Identifiers: Orphanet 363417, MedGen C1854466, MONDO:0011533, OMIM 605282.

Allele frequency attached by ClinVar (database versions not stated): ExAC 0.00019; gnomAD 0.00023; TOPMed 0.00029; ESP Exome Variant Server 0.00038; gnomAD exomes 0.00049.
gnomAD v4.1: 742 of 1,614,030 alleles (0.046%); highest among the groups gnomAD compares: Non-Finnish European, 0.061%; no homozygotes.

Submissions (3):

PreventionGenetics, part of Exact Sciences
Classification: Likely benign for CHSY1-related condition. Last evaluated: 2025-10-13. Review status: criteria provided, single submitter. Criteria: ACMG Guidelines, 2015. Collection method: clinical testing. Allele origin: germline.
Comment: This variant is classified as likely benign based on ACMG/AMP sequence variant interpretation guidelines (Richards et al. 2015 PMID: 25741868, with internal and published modifications).

Labcorp Genetics (formerly Invitae), Labcorp
Classification: Likely benign for Temtamy preaxial brachydactyly syndrome. Last evaluated: 2025-10-10. Review status: criteria provided, single submitter. Criteria: Invitae Variant Classification Sherloc (09022015). Collection method: clinical testing. Allele origin: germline.

Blueprint Genetics
Classification: Likely benign. Last evaluated: 2024-10-18. Review status: criteria provided, single submitter. Criteria: ACMG Guidelines, 2015. Collection method: clinical testing. Allele origin: germline.

NM_014918.5(CHSY1):c.477C>T (p.His159=)

Gene: CHSY1 (chondroitin sulfate synthase 1; minus strand). Cytogenetic location: 15q26.3.
Variant type: single nucleotide variant.
Coding change: c.477C>T on transcript NM_014918.5 (MANE Select); coding-DNA position 477, C replaced by T.
Protein change: p.His159=; no amino-acid change (histidine 159 retained).
Molecular consequence: synonymous variant.
Genome position (GRCh38, 1-based): chr15:101,235,421, G>A on the plus strand (C>T on the coding strand, the complement: CHSY1 is on the minus strand). VCF-style: chr15-101235421-G-A. GRCh37 (hg19) VCF-style: chr15-101775626-G-A.
Other names: c.477C>T (NM_014918.4).
Identifiers: ClinVar variation 2728319 (VCV002728319.5), dbSNP rs140045066, ClinGen allele CA7762718.